The following is an entry in ClinVar:

NC_000011.9:g.(?_108098342)_(108098625_?)del

Gene: ATM (ATM serine/threonine kinase; plus strand). Cytogenetic location: 11q22.3.
Variant type: Deletion.
Identifiers: ClinVar variation 1073591 (VCV001073591.7).

ClinVar aggregate classification (germline): Pathogenic (1 of 4 stars; one submission).

Conditions:
Ataxia-telangiectasia syndrome (AT). Also called: Cerebello-oculocutaneous telangiectasia; Immunodeficiency with ataxia telangiectasia; ATAXIA-TELANGIECTASIA, FRESNO VARIANT; Ataxia-telangiectasia, complementation group D; Ataxia telangiectasia (A-T); LOUIS-BAR SYNDROME. Identifiers: Orphanet 100, MedGen C0004135, MONDO:0008840, OMIM 208900.

Submission:

Labcorp Genetics (formerly Invitae), Labcorp
Classification: Pathogenic for Ataxia-telangiectasia syndrome. Last evaluated: 2015-03-24. Review status: criteria provided, single submitter. Criteria: Invitae Variant Classification Sherloc (09022015). Collection method: clinical testing. Allele origin: germline.
Comment: A gross deletion of the genomic region encompassing the full coding sequence of the ATM gene has been identified. Gross deletions ATM are known to be pathogenic.¬†Deletions involving ATM was reported in an individual affected with Ataxia telangiectasia (PMID: 7792600). For these reasons, this variant has been classified as Pathogenic.

Literature cited by the submitters: PubMed 7792600.